The following is an entry in ClinVar:

NM_001048174.2(MUTYH):c.646T>G (p.Cys216Gly)

Gene: MUTYH (mutY DNA glycosylase; minus strand). Cytogenetic location: 1p34.1.
Variant type: single nucleotide variant.
Coding change: c.646T>G on transcript NM_001048174.2 (MANE Select); coding-DNA position 646, T replaced by G.
Protein change: p.Cys216Gly; replaces cysteine 216 with glycine.
Molecular consequence: missense variant. On other transcripts: non-coding transcript variant (2).
Genome position (GRCh38, 1-based): chr1:45,332,449, A>C on the plus strand (T>G on the coding strand, the complement: MUTYH is on the minus strand). VCF-style: chr1-45332449-A-C. GRCh37 (hg19) VCF-style: chr1-45798121-A-C.
Other names: c.646T>G, p.Cys216Gly (NM_001048171.2, NM_001048173.2, NM_001293195.2); c.649T>G, p.Cys217Gly (NM_001048172.2); c.730T>G, p.Cys244Gly (NM_001128425.2); c.691T>G, p.Cys231Gly (NM_001293190.2); c.679T>G, p.Cys227Gly (NM_001293191.2); c.370T>G, p.Cys124Gly (NM_001293192.2, NM_001293196.2); c.301T>G, p.Cys101Gly (NM_001350650.2, NM_001350651.2); c.721T>G, p.Cys241Gly (NM_012222.3); short protein forms C101G, C231G, C227G, C244G, C124G, C216G, C217G, C241G.
Identifiers: ClinVar variation 826957 (VCV000826957.5), dbSNP rs1570408704, ClinGen allele CA340134853.
Genomic context (GRCh38, chr1:45,332,449, plus strand): 5'-ACCAGAGCTGCTGGGAAACAAGGGTGCTGCTGGGATCAGCACCAATGGCTCGGACACGGC[A>C]CAGCACCCGTGCTACGTTGCCATCCACCACACCGGTTGCCTGGCACAGAGGGGCCAAAGA-3'
Protein context (NP_001041639.1, residues 206-226): VVDGNVARVL[Cys216Gly]RVRAIGADPS

ClinVar aggregate classification (germline): Likely pathogenic (1 of 4 stars; one submission).

Conditions:
Hereditary cancer-predisposing syndrome. Also called: Neoplastic Syndromes, Hereditary; Tumor predisposition; Hereditary neoplastic syndrome; Hereditary Cancer Syndrome. Identifiers: Orphanet 140162, MedGen C0027672, MeSH D009386, MONDO:0015356.

Submission:

Ambry Genetics
Classification: Likely pathogenic for Hereditary cancer-predisposing syndrome. Last evaluated: 2025-08-15. Review status: criteria provided, single submitter. Criteria: Ambry Variant Classification Scheme 2023. Collection method: clinical testing. Allele origin: germline.
Comment: The p.C244G variant (also known as c.730T>G), located in coding exon 9 of the MUTYH gene, results from a T to G substitution at nucleotide position 730. The cysteine at codon 244 is replaced by glycine, an amino acid with highly dissimilar properties. In a massively parallel cell-based functional assay testing 7,8-dihydro-8- oxoguanine:adenine (8OG:A) repair activity, a byproduct of oxidative damage, this variant was reported to be non-functional (Hemker SL et al. Am J Hum Genet. Published online July 29, 2025. DOI: 10.1016/j.ajhg.2025.07.005). This amino acid position is highly conserved in available vertebrate species. In addition, this alteration is predicted to be deleterious by in silico analysis. This variant is considered to be rare based on population cohorts in the Genome Aggregation Database (gnomAD). Based on the majority of available evidence to date, this variant is likely to be pathogenic.

Literature cited by the submitters: PubMed 40738107.